The following is an entry in ClinVar:

ClinVar aggregate classification (germline): Uncertain significance. Review status: criteria provided, multiple submitters, no conflicts (2 of 4 stars). 2 submissions from 2 submitters: Uncertain significance (2). Last evaluated 2026-04-09.

Conditions:
Atrial septal defect 3 (ASD3). Identifiers: Orphanet 1478, MedGen C3279790, MONDO:0013567, OMIM 614089.
Cardiovascular phenotype. Identifiers: MedGen CN230736.

gnomAD v4.1: 1 of 1,614,184 alleles (0.000062%); highest among the groups gnomAD compares: African/African-American, 0.0013%; no homozygotes.

Submissions (2):

Ambry Genetics
Classification: Uncertain significance for Cardiovascular phenotype. Last evaluated: 2026-04-09. Review status: criteria provided, single submitter. Criteria: Ambry Variant Classification Scheme 2023. Collection method: clinical testing. Allele origin: germline.
Comment: The p.G426R variant (also known as c.1276G>A), located in coding exon 11 of the MYH6 gene, results from a G to A substitution at nucleotide position 1276. The glycine at codon 426 is replaced by arginine, an amino acid with dissimilar properties. This amino acid position is well conserved in available vertebrate species. In addition, this alteration is predicted to be deleterious by in silico analysis. Based on the available evidence, the clinical significance of this variant remains unclear.

Victorian Clinical Genetics Services, Murdoch Childrens Research Institute
Classification: Uncertain significance for Atrial septal defect 3. Last evaluated: 2025-07-17. Review status: criteria provided, single submitter. Criteria: ACMG Guidelines, 2015. Collection method: clinical testing. Allele origin: germline. Affected: yes.
Comment: This variant is classified as VUS-3B. Evidence in support of pathogenic classification: Variant is present in gnomAD <0.001 for a dominant condition (v4: 1 heterozygote(s), 0 homozygote(s)); Missense variant consistently predicted to be damaging by an in silico tool or highly conserved with a major amino acid change. Additional information: Variant is predicted to result in a missense amino acid change from glycine to arginine; This variant is heterozygous; This gene is associated with autosomal dominant disease; This variant has no previous evidence of pathogenicity; No published segregation evidence has been identified for this variant; No published functional evidence has been identified for this variant; No comparable missense variants have previous evidence for pathogenicity; Variant is located in the annotated myosin head motor domain (DECIPHER); The mechanism of disease for this gene is not clearly established, however gain of function has been suggested (PMID: 20656787); The condition associated with this gene has incomplete penetrance (PMID: 22194935); Variants in this gene are known to have variable expressivity (PMID: 22194935).

Literature cited by the submitters: PubMed 20656787 (cited by Victorian Clinical Genetics Services, Murdoch Childrens Research Institute); PubMed 22194935 (cited by Victorian Clinical Genetics Services, Murdoch Childrens Research Institute).

NM_002471.4(MYH6):c.1276G>A (p.Gly426Arg)

Gene: MYH6 (myosin heavy chain 6; minus strand). Cytogenetic location: 14q11.2.
Variant type: single nucleotide variant.
Coding change: c.1276G>A on transcript NM_002471.4 (MANE Select); coding-DNA position 1276, G replaced by A.
Protein change: p.Gly426Arg; replaces glycine 426 with arginine.
Molecular consequence: missense variant.
Genome position (GRCh38, 1-based): chr14:23,400,843, C>T on the plus strand (G>A on the coding strand, the complement: MYH6 is on the minus strand). VCF-style: chr14-23400843-C-T. GRCh37 (hg19) VCF-style: chr14-23870052-C-T.
Other names: short protein forms G426R.
Identifiers: ClinVar variation 4531477 (VCV004531477.2).